The following is an entry in ClinVar:

ClinVar aggregate classification (germline): Uncertain significance. Review status: criteria provided, multiple submitters, no conflicts (2 of 4 stars). 3 submissions from 3 submitters: Uncertain significance (3). Last evaluated 2025-11-01.

Conditions:
Dilated cardiomyopathy 1JJ (CMD1JJ). Identifiers: Orphanet 154, MedGen C3808935, MONDO:0014095, OMIM 615235.

Allele frequency attached by ClinVar (database versions not stated): TOPMed below 0.00001; ExAC 0.00001; gnomAD 0.00001; gnomAD exomes 0.00001; ESP Exome Variant Server 0.00008.
gnomAD v4.1: 6 of 1,613,992 alleles (0.00037%); highest among the groups gnomAD compares: Non-Finnish European, 0.00051%; no homozygotes.

Submissions (3):

Labcorp Genetics (formerly Invitae), Labcorp
Classification: Uncertain significance for Dilated cardiomyopathy 1JJ. Last evaluated: 2025-11-01. Review status: criteria provided, single submitter. Criteria: Invitae Variant Classification Sherloc (09022015). Collection method: clinical testing. Allele origin: germline.
Comment: This sequence change replaces tyrosine, which is neutral and polar, with cysteine, which is neutral and slightly polar, at codon 1018 of the LAMA4 protein (p.Tyr1018Cys). This variant is present in population databases (rs786205411, gnomAD 0.002%). This missense change has been observed in individual(s) with clinical features of LAMA4-related conditions (internal data). ClinVar contains an entry for this variant (Variation ID: 191684). Invitae Evidence Modeling of protein sequence and biophysical properties (such as structural, functional, and spatial information, amino acid conservation, physicochemical variation, residue mobility, and thermodynamic stability) indicates that this missense variant is expected to disrupt LAMA4 protein function with a positive predictive value of 80%. In summary, the available evidence is currently insufficient to determine the role of this variant in disease. Therefore, it has been classified as a Variant of Uncertain Significance.

GeneDx
Classification: Uncertain significance. Last evaluated: 2024-09-30. Review status: criteria provided, single submitter. Criteria: GeneDx Variant Classification Process June 2021. Collection method: clinical testing. Allele origin: germline. Affected: yes.
Comment: Has not been previously published as pathogenic or benign in association with a LAMA4-related disorder to our knowledge; Not observed at significant frequency in large population cohorts (gnomAD); In silico analysis supports that this missense variant has a deleterious effect on protein structure/function; This variant is associated with the following publications: (PMID: 23861362)

Biesecker Lab/Clinical Genomics Section, National Institutes of Health
Classification: Uncertain significance. Last evaluated: 2013-06-24. Review status: criteria provided, single submitter. Criteria: Ng et al. (Circ Cardiovasc Genet. 2013). Collection method: research. Allele origin: unknown. Observed: 1 variant allele. Study: ClinSeq.
Comment: The study set was not selected for affection status in relation to any cancer. Pathogenicity categories were based on literature curation. See Pubmed ID:23861362 for details.

Medical sequencing

NM_001105206.3(LAMA4):c.3074A>G (p.Tyr1025Cys)

Gene: LAMA4 (laminin subunit alpha 4; minus strand). Cytogenetic location: 6q21.
Variant type: single nucleotide variant.
Coding change: c.3074A>G on transcript NM_001105206.3 (MANE Select); coding-DNA position 3074, A replaced by G.
Protein change: p.Tyr1025Cys; replaces tyrosine 1025 with cysteine.
Molecular consequence: missense variant.
Genome position (GRCh38, 1-based): chr6:112,139,788, T>C on the plus strand (A>G on the coding strand, the complement: LAMA4 is on the minus strand). VCF-style: chr6-112139788-T-C. GRCh37 (hg19) VCF-style: chr6-112460990-T-C.
Other names: c.3053A>G, p.Tyr1018Cys (NM_001105207.3, NM_002290.5); c.3053A>G (LRG_433t2); short protein forms Y1018C, Y1025C.
Identifiers: ClinVar variation 191684 (VCV000191684.3), dbSNP rs370557242, ClinGen allele CA237259.
Genomic context (GRCh38, chr6:112,139,788, plus strand): 5'-TTAGTACTCTTAACTGTCTCTTACCGGGCACATGGCACTGATGTGGAGGGGTCCATATTA[T>C]AGATGTGCTTAAAGTTGTACAAGCTGATCACATCATTATTCAAAGTGGCCAGTTCCAGGC-3'
Protein context (NP_001098676.2, residues 1015-1035): VISLYNFKHI[Tyr1025Cys]NMDPSTSVPC